The following is an entry in ClinVar:

ClinVar aggregate classification (germline): Uncertain significance (1 of 4 stars; one submission).

Conditions:
Wilms tumor 1 (WT1). Also called: Wilms tumor, somatic. Identifiers: Orphanet 654, MedGen CN033288, MONDO:0008679, OMIM 194070.

Allele frequency attached by ClinVar (database versions not stated): TOPMed 0.00001.

Submission:

Labcorp Genetics (formerly Invitae), Labcorp
Classification: Uncertain significance for Wilms tumor 1. Last evaluated: 2022-03-05. Review status: criteria provided, single submitter. Criteria: Invitae Variant Classification Sherloc (09022015). Collection method: clinical testing. Allele origin: germline.
Comment: In summary, the available evidence is currently insufficient to determine the role of this variant in disease. Therefore, it has been classified as a Variant of Uncertain Significance. Algorithms developed to predict the effect of missense changes on protein structure and function output the following: SIFT: "Tolerated"; PolyPhen-2: "Benign"; Align-GVGD: "Class C0". The threonine amino acid residue is found in multiple mammalian species, which suggests that this missense change does not adversely affect protein function. ClinVar contains an entry for this variant (Variation ID: 641745). This variant has not been reported in the literature in individuals affected with GPC3-related conditions. This variant is not present in population databases (gnomAD no frequency). This sequence change replaces alanine, which is neutral and non-polar, with threonine, which is neutral and polar, at codon 191 of the GPC3 protein (p.Ala191Thr).

NM_004484.4(GPC3):c.571G>A (p.Ala191Thr)

Gene: GPC3 (glypican 3; minus strand). Cytogenetic location: Xq26.2.
Variant type: single nucleotide variant.
Coding change: c.571G>A on transcript NM_004484.4 (MANE Select); coding-DNA position 571, G replaced by A.
Protein change: p.Ala191Thr; replaces alanine 191 with threonine.
Molecular consequence: missense variant.
Genome position (GRCh38, 1-based): chrX:133,753,943, C>T on the plus strand (G>A on the coding strand, the complement: GPC3 is on the minus strand). VCF-style: chrX-133753943-C-T. GRCh37 (hg19) VCF-style: chrX-132887970-C-T.
Other names: c.571G>A, p.Ala191Thr (NM_001164617.2); c.523G>A, p.Ala175Thr (NM_001164618.2); c.409G>A, p.Ala137Thr (NM_001164619.2); short protein forms A191T, A175T, A137T.
Identifiers: ClinVar variation 641745 (VCV000641745.9), dbSNP rs1603240684, ClinGen allele CA414706330.